The following is an entry in ClinVar:

NM_005618.4(DLL1):c.2092A>G (p.Thr698Ala)

Genes: DLL1 (delta like canonical Notch ligand 1; minus strand), LOC126859913 (P300/CBP strongly-dependent group 1 enhancer GRCh37_chr6:170591232-170592431; plus strand). Cytogenetic location: 6q27.
Variant type: single nucleotide variant.
Coding change: c.2092A>G on transcript NM_005618.4 (MANE Select); coding-DNA position 2092, A replaced by G.
Protein change: p.Thr698Ala; replaces threonine 698 with alanine.
Molecular consequence: missense variant.
Genome position (GRCh38, 1-based): chr6:170,283,062, T>C on the plus strand (A>G on the coding strand, the complement: DLL1 is on the minus strand). VCF-style: chr6-170283062-T-C. GRCh37 (hg19) VCF-style: chr6-170592150-T-C.
Other names: short protein forms T698A.
Identifiers: ClinVar variation 3770112 (VCV003770112.1).

ClinVar aggregate classification (germline): Uncertain significance (1 of 4 stars; one submission).

Submission:

GeneDx
Classification: Uncertain significance. Last evaluated: 2024-09-13. Review status: criteria provided, single submitter. Criteria: GeneDx Variant Classification Process June 2021. Collection method: clinical testing. Allele origin: germline. Affected: yes.
Comment: In silico analysis indicates that this missense variant does not alter protein structure/function; Has not been previously published as pathogenic or benign to our knowledge